The following is an entry in ClinVar:

ClinVar aggregate classification (germline): Uncertain significance (1 of 4 stars; one submission).

Conditions:
Brown-Vialetto-van Laere syndrome 1. Also called: BROWN-VIALETTO-VAN LAERE SYNDROME 1, MILD; BULBAR PALSY, PROGRESSIVE, WITH SENSORINEURAL DEAFNESS; PONTOBULBAR PALSY WITH DEAFNESS. Identifiers: Orphanet 572550, Orphanet 97229, MedGen C0796274, MONDO:0024537, OMIM 211530.

Submission:

Labcorp Genetics (formerly Invitae), Labcorp
Classification: Uncertain significance for Brown-Vialetto-van Laere syndrome 1. Last evaluated: 2021-09-25. Review status: criteria provided, single submitter. Criteria: Invitae Variant Classification Sherloc (09022015). Collection method: clinical testing. Allele origin: germline.
Comment: In summary, the available evidence is currently insufficient to determine the role of this variant in disease. Therefore, it has been classified as a Variant of Uncertain Significance. Algorithms developed to predict the effect of missense changes on protein structure and function are either unavailable or do not agree on the potential impact of this missense change (SIFT: "Deleterious"; PolyPhen-2: "Probably Damaging"; Align-GVGD: "Class C0"). This variant has not been reported in the literature in individuals affected with SLC52A3-related conditions. This variant is not present in population databases (ExAC no frequency). This sequence change replaces alanine with threonine at codon 51 of the SLC52A3 protein (p.Ala51Thr). The alanine residue is highly conserved and there is a small physicochemical difference between alanine and threonine.

NM_033409.4(SLC52A3):c.151G>A (p.Ala51Thr)

Gene: SLC52A3 (solute carrier family 52 member 3; minus strand). Cytogenetic location: 20p13.
Variant type: single nucleotide variant.
Coding change: c.151G>A on transcript NM_033409.4 (MANE Select); coding-DNA position 151, G replaced by A.
Protein change: p.Ala51Thr; replaces alanine 51 with threonine.
Molecular consequence: missense variant.
Genome position (GRCh38, 1-based): chr20:765,624, C>T on the plus strand (G>A on the coding strand, the complement: SLC52A3 is on the minus strand). VCF-style: chr20-765624-C-T. GRCh37 (hg19) VCF-style: chr20-746268-C-T.
Other names: c.151G>A, p.Ala51Thr (NM_001370085.1, NM_001370086.1); short protein forms A51T.
Identifiers: ClinVar variation 1496729 (VCV001496729.6), dbSNP rs2122526452, ClinGen allele CA407964434.